The following is an entry in ClinVar:

ClinVar aggregate classification (germline): Uncertain significance (1 of 4 stars; one submission).

Submission:

Ambry Genetics
Classification: Uncertain significance. Last evaluated: 2024-06-11. Review status: criteria provided, single submitter. Criteria: Ambry Variant Classification Scheme 2023. Collection method: clinical testing. Allele origin: germline.
Comment: The p.A822S variant (also known as c.2464G>T), located in coding exon 15 of the POLQ gene, results from a G to T substitution at nucleotide position 2464. The alanine at codon 822 is replaced by serine, an amino acid with similar properties. This amino acid position is conserved. In addition, the in silico prediction for this alteration is inconclusive. Since supporting evidence is limited at this time, the clinical significance of this alteration remains unclear.

NM_199420.4(POLQ):c.2464G>T (p.Ala822Ser)

Gene: POLQ (DNA polymerase theta; minus strand). Cytogenetic location: 3q13.33.
Variant type: single nucleotide variant.
Coding change: c.2464G>T on transcript NM_199420.4 (MANE Select); coding-DNA position 2464, G replaced by T.
Protein change: p.Ala822Ser; replaces alanine 822 with serine.
Molecular consequence: missense variant.
Genome position (GRCh38, 1-based): chr3:121,493,536, C>A on the plus strand (G>T on the coding strand, the complement: POLQ is on the minus strand). VCF-style: chr3-121493536-C-A. GRCh37 (hg19) VCF-style: chr3-121212383-C-A.
Other names: short protein forms A822S.
Identifiers: ClinVar variation 1791673 (VCV001791673.3), dbSNP rs984054931, ClinGen allele CA354107488.